The following is an entry in ClinVar:

ClinVar aggregate classification (germline): Uncertain significance (1 of 4 stars; one submission).

Conditions:
Hypoproteinemia, hypercatabolic (IMD43). Also called: MHC CLASS I DEFICIENCY 4; IMMUNODEFICIENCY 43; BETA-2-MICROGLOBULIN DEFICIENCY; B2M DEFICIENCY. Identifiers: MedGen C1855796, MONDO:0009434, OMIM 241600.

Submission:

Labcorp Genetics (formerly Invitae), Labcorp
Classification: Uncertain significance for Hypoproteinemia, hypercatabolic. Last evaluated: 2023-03-23. Review status: criteria provided, single submitter. Criteria: Invitae Variant Classification Sherloc (09022015). Collection method: clinical testing. Allele origin: germline.
Comment: This sequence change replaces phenylalanine, which is neutral and non-polar, with serine, which is neutral and polar, at codon 82 of the B2M protein (p.Phe82Ser). This variant is not present in population databases (gnomAD no frequency). This variant has not been reported in the literature in individuals affected with B2M-related conditions. An algorithm developed to predict the effect of missense changes on protein structure and function (PolyPhen-2) suggests that this variant is likely to be disruptive. In summary, the available evidence is currently insufficient to determine the role of this variant in disease. Therefore, it has been classified as a Variant of Uncertain Significance.

NM_004048.4(B2M):c.245T>C (p.Phe82Ser)

Gene: B2M (beta-2-microglobulin; plus strand). Cytogenetic location: 15q21.1.
Variant type: single nucleotide variant.
Coding change: c.245T>C on transcript NM_004048.4 (MANE Select); coding-DNA position 245, T replaced by C.
Protein change: p.Phe82Ser; replaces phenylalanine 82 with serine.
Molecular consequence: missense variant.
Genome position (GRCh38, 1-based): chr15:44,715,600, T>C. VCF-style: chr15-44715600-T-C. GRCh37 (hg19) VCF-style: chr15-45007798-T-C.
Other names: short protein forms F82S.
Identifiers: ClinVar variation 2848871 (VCV002848871.3), dbSNP rs2506043633, ClinGen allele CA392233347.
Genomic context (GRCh38, chr15:44,715,600, plus strand): 5'-ATGGAGAGAGAATTGAAAAAGTGGAGCATTCAGACTTGTCTTTCAGCAAGGACTGGTCTT[T>C]CTATCTCTTGTACTACACTGAATTCACCCCCACTGAAAAAGATGAGTATGCCTGCCGTGT-3'
Protein context (NP_004039.1, residues 72-92): SDLSFSKDWS[Phe82Ser]YLLYYTEFTP